The following is an entry in ClinVar:

ClinVar aggregate classification (germline): Pathogenic (1 of 4 stars; one submission).

Conditions:
Microphthalmia, isolated, with coloboma 3 (MCOPCB3). Also called: MICROPHTHALMIA/COLOBOMA 3; MICROPHTHALMIA, COLOBOMATOUS, 3. Identifiers: Orphanet 98938, MedGen C1864721, MONDO:0012408, OMIM 610092.

Submission:

Myriad Genetics, Inc.
Classification: Pathogenic for Microphthalmia, isolated, with coloboma 3. Last evaluated: 2024-05-14. Review status: criteria provided, single submitter. Criteria: Myriad Autosomal Dominant, Autosomal Recessive and X-Linked Classification Criteria (2023). Collection method: clinical testing. Allele origin: unknown.
Comment: NM_182894.2(VSX2):c.183del1ins11(L61Ffs*69) is expected to be pathogenic in the context of microphthalmia, anophthalmia, and coloboma, VSX2-related. This variant is predicted to lead to an abnormal or absent protein product due to the creation of a premature termination codon in VSX2, a gene where loss-of-function variants are known to be pathogenic. Please note: this variant was assessed in the context of healthy population screening.

NM_182894.3(VSX2):c.183delinsTGACATGGAAC (p.Leu61fs)

Gene: VSX2 (visual system homeobox 2; plus strand). Cytogenetic location: 14q24.3.
Variant type: Indel.
Coding change: c.183delinsTGACATGGAAC on transcript NM_182894.3 (MANE Select); coding-DNA position 183, G replaced by TGACATGGAAC.
Protein change: p.Leu61fs; shifts the reading frame from leucine 61.
Molecular consequence: frameshift variant.
Genome position (GRCh38, 1-based): chr14:74,239,744, G replaced by TGACATGGAAC. VCF-style: chr14-74239744-G-TGACATGGAAC. GRCh37 (hg19) VCF-style: chr14-74706447-G-TGACATGGAAC.
Other names: short protein forms L61fs.
Identifiers: ClinVar variation 5011086 (VCV005011086.1).
Genomic context (GRCh38, chr14:74,239,744, plus strand): 5'-CAAGGAGCCCCCGAGCTCCCACCCGCGGGCAGCGCTCGACGGCCTGGCCCCCGGGCACTT[G>TGACATGGAAC]CTGGCGGCGCGCTCAGTGCTCAGCCCCGCGGGGGTGGGCGGCATGGGGCTTCTGGGGCCC-3'